The following is an entry in ClinVar:

ClinVar aggregate classification (germline): Uncertain significance (1 of 4 stars; one submission).

Allele frequency attached by ClinVar (database versions not stated): gnomAD exomes below 0.00001; ExAC 0.00001; gnomAD 0.00001; TOPMed 0.00001.
gnomAD v4.1: 4 of 1,613,920 alleles (0.00025%); highest among the groups gnomAD compares: Non-Finnish European, 0.00034%; no homozygotes.

Submission:

Labcorp Genetics (formerly Invitae), Labcorp
Classification: Uncertain significance. Last evaluated: 2022-03-29. Review status: criteria provided, single submitter. Criteria: Invitae Variant Classification Sherloc (09022015). Collection method: clinical testing. Allele origin: germline.
Comment: In summary, the available evidence is currently insufficient to determine the role of this variant in disease. Therefore, it has been classified as a Variant of Uncertain Significance. Algorithms developed to predict the effect of missense changes on protein structure and function output the following: SIFT: "Tolerated"; PolyPhen-2: "Benign"; Align-GVGD: "Class C0". The valine amino acid residue is found in multiple mammalian species, which suggests that this missense change does not adversely affect protein function. This variant has not been reported in the literature in individuals affected with USH2A-related conditions. This variant is not present in population databases (gnomAD no frequency). This sequence change replaces isoleucine, which is neutral and non-polar, with valine, which is neutral and non-polar, at codon 3451 of the USH2A protein (p.Ile3451Val).

NM_206933.4(USH2A):c.10351A>G (p.Ile3451Val)

Gene: USH2A (usherin; minus strand). Cytogenetic location: 1q41.
Variant type: single nucleotide variant.
Coding change: c.10351A>G on transcript NM_206933.4 (MANE Select); coding-DNA position 10351, A replaced by G.
Protein change: p.Ile3451Val; replaces isoleucine 3451 with valine.
Molecular consequence: missense variant.
Genome position (GRCh38, 1-based): chr1:215,786,706, T>C on the plus strand (A>G on the coding strand, the complement: USH2A is on the minus strand). VCF-style: chr1-215786706-T-C. GRCh37 (hg19) VCF-style: chr1-215960048-T-C.
Other names: short protein forms I3451V.
Identifiers: ClinVar variation 1937459 (VCV001937459.5), dbSNP rs773321515, ClinGen allele CA1394050.